The following is an entry in ClinVar:

NM_139057.4(ADAMTS17):c.616+24337G>A

Gene: ADAMTS17 (ADAM metallopeptidase with thrombospondin type 1 motif 17; minus strand). Cytogenetic location: 15q26.3.
Variant type: single nucleotide variant.
Coding change: c.616+24337G>A on transcript NM_139057.4 (MANE Select); 24337 bases into the intron after coding-DNA position 616, G replaced by A.
Molecular consequence: intron variant.
Genome position (GRCh38, 1-based): chr15:100,306,552, C>T on the plus strand (G>A on the coding strand, the complement: ADAMTS17 is on the minus strand). VCF-style: chr15-100306552-C-T. GRCh37 (hg19) VCF-style: chr15-100846757-C-T.
Identifiers: ClinVar variation 2645744 (VCV002645744.24), dbSNP rs146778481, ClinGen allele CA7758663.

ClinVar aggregate classification (germline): Benign (1 of 4 stars; one submission).

Allele frequency attached by ClinVar (database versions not stated): 1000 Genomes Project 30x 0.00390; 1000 Genomes Project 0.00419; gnomAD 0.00496; TOPMed 0.00551; gnomAD exomes 0.00711; ExAC 0.01520.
gnomAD v4.1: 2,972 of 456,052 alleles (0.65%); highest among the groups gnomAD compares: Middle Eastern, 4.8%; 41 homozygotes.

Submission:

CeGaT Center for Human Genetics Tuebingen
Classification: Benign. Last evaluated: 2023-01-01. Review status: criteria provided, single submitter. Criteria: CeGaT Center For Human Genetics Tuebingen Variant Classification Criteria Version 2. Collection method: clinical testing. Allele origin: germline. Affected: yes. Observed: 1 variant allele.
Comment: ADAMTS17: BS1, BS2